The following is an entry in ClinVar:

ClinVar aggregate classification (germline): Uncertain significance (1 of 4 stars; one submission).

Submission:

Labcorp Genetics (formerly Invitae), Labcorp
Classification: Uncertain significance. Last evaluated: 2023-04-07. Review status: criteria provided, single submitter. Criteria: Invitae Variant Classification Sherloc (09022015). Collection method: clinical testing. Allele origin: germline.
Comment: In summary, the available evidence is currently insufficient to determine the role of this variant in disease. Therefore, it has been classified as a Variant of Uncertain Significance. Experimental studies and prediction algorithms are not available or were not evaluated, and the functional significance of this variant is currently unknown. This variant has not been reported in the literature in individuals affected with CFAP410-related conditions. This variant results in a copy number gain of the genomic region encompassing exon(s) 4-7 of the CFAP410 gene. This region includes the termination codon of the gene. This copy number gain extends beyond the assayed region for this gene and therefore may encompass additional genes. As the precise location of this event is unknown, it may be in tandem or it may be located elsewhere in the genome.

NC_000021.8:g.(?_45750081)_(45753165_?)dup

Gene: CFAP410 (cilia and flagella associated protein 410; minus strand). Cytogenetic location: 21q22.3.
Variant type: Duplication.
Identifiers: ClinVar variation 1040556 (VCV001040556.6).